The following is an entry in ClinVar:

NM_003442.6(ZNF143):c.570+7C>T

Gene: ZNF143 (zinc finger protein 143; plus strand). Cytogenetic location: 11p15.4.
Variant type: single nucleotide variant.
Coding change: c.570+7C>T on transcript NM_003442.6 (MANE Select); 7 bases into the intron after coding-DNA position 570, C replaced by T.
Molecular consequence: intron variant.
Genome position (GRCh38, 1-based): chr11:9,478,593, C>T. VCF-style: chr11-9478593-C-T. GRCh37 (hg19) VCF-style: chr11-9500140-C-T.
Other names: c.570+7C>T (NM_003442.5); c.567+7C>T (NM_001282656.2); c.477+7C>T (NM_001282657.2).
Identifiers: ClinVar variation 1583011 (VCV001583011.10), dbSNP rs115602882, ClinGen allele CA5879389.
Genomic context (GRCh38, chr11:9,478,593, plus strand): 5'-GATGCTACAATTGACCCTGACACCATCAGTGCTTTGGAACAGTATGCAGCAAAGGTATAG[C>T]ATTTCACAATGTCAAGAATGTTGCAGATATAGCTTCTTTATTTTTCATGAAAAGAAAAGA-3'

ClinVar aggregate classification (germline): Benign. Review status: criteria provided, single submitter (1 of 4 stars). 2 submissions from 2 submitters: Benign (1). 1 of the submissions does not count toward it. Last evaluated 2025-12-21.

Conditions:
ZNF143-related disorder. Also called: ZNF143-related condition.

Allele frequency attached by ClinVar (database versions not stated): gnomAD exomes 0.00026 and 0.00075; ExAC 0.00088; gnomAD 0.00297 and 0.00321; ESP Exome Variant Server 0.00316; TOPMed 0.00317; 1000 Genomes Project 0.00359; 1000 Genomes Project 30x 0.00375.
gnomAD v4.1: 840 of 1,603,260 alleles (0.052%); highest among the groups gnomAD compares: African/African-American, 1%; 4 homozygotes.

Submissions (2):

Labcorp Genetics (formerly Invitae), Labcorp
Classification: Benign. Last evaluated: 2025-12-21. Review status: criteria provided, single submitter. Criteria: Invitae Variant Classification Sherloc (09022015). Collection method: clinical testing. Allele origin: germline.

PreventionGenetics, part of Exact Sciences
Classification: Benign for ZNF143-related condition. Last evaluated: 2020-01-28. Review status: no assertion criteria provided. Collection method: clinical testing. Allele origin: germline. Not counted in ClinVar's aggregate classification.
Comment: This variant is classified as benign based on ACMG/AMP sequence variant interpretation guidelines (Richards et al. 2015 PMID: 25741868, with internal and published modifications).